The following is an entry in ClinVar:

ClinVar aggregate classification (germline): Likely benign (0 of 4 stars; one submission).

Conditions:
CEP170B-related disorder. Also called: CEP170B-related condition.

Allele frequency attached by ClinVar (database versions not stated): ExAC 0.00012.

Submission:

PreventionGenetics, part of Exact Sciences
Classification: Likely benign for CEP170B-related condition. Last evaluated: 2019-02-22. Review status: no assertion criteria provided. Collection method: clinical testing. Allele origin: germline.
Comment: This variant is classified as likely benign based on ACMG/AMP sequence variant interpretation guidelines (Richards et al. 2015 PMID: 25741868, with internal and published modifications).

NM_001112726.3(CEP170B):c.1629A>C (p.Pro543=)

Gene: CEP170B (centrosomal protein 170B; plus strand). Cytogenetic location: 14q32.33.
Variant type: single nucleotide variant.
Coding change: c.1629A>C on transcript NM_001112726.3 (MANE Select); coding-DNA position 1629, A replaced by C.
Protein change: p.Pro543=; no amino-acid change (proline 543 retained).
Molecular consequence: synonymous variant.
Genome position (GRCh38, 1-based): chr14:104,884,408, A>C. VCF-style: chr14-104884408-A-C. GRCh37 (hg19) VCF-style: chr14-105350745-A-C.
Other names: c.1419A>C, p.Pro473= (NM_015005.3).
Identifiers: ClinVar variation 3055683 (VCV003055683.2), dbSNP rs759144632, ClinGen allele CA7375629.